The following is an entry in ClinVar:

NM_032043.3(BRIP1):c.259T>C (p.Cys87Arg)

Gene: BRIP1 (BRCA1 interacting DNA helicase 1; minus strand). Cytogenetic location: 17q23.2.
Variant type: single nucleotide variant.
Coding change: c.259T>C on transcript NM_032043.3 (MANE Select); coding-DNA position 259, T replaced by C.
Protein change: p.Cys87Arg; replaces cysteine 87 with arginine.
Molecular consequence: missense variant.
Genome position (GRCh38, 1-based): chr17:61,857,178, A>G on the plus strand (T>C on the coding strand, the complement: BRIP1 is on the minus strand). VCF-style: chr17-61857178-A-G. GRCh37 (hg19) VCF-style: chr17-59934539-A-G.
Other names: short protein forms C87R.
Identifiers: ClinVar variation 920218 (VCV000920218.14), dbSNP rs1555617897, ClinGen allele CA400485514.

ClinVar aggregate classification (germline): Uncertain significance. Review status: criteria provided, multiple submitters, no conflicts (2 of 4 stars). 2 submissions from 2 submitters: Uncertain significance (2). Last evaluated 2023-12-05.

Conditions:
Familial cancer of breast. Also called: hereditary breast carcinoma; BREAST CANCER, FAMILIAL; Hereditary breast cancer. Identifiers: Orphanet 227535, MedGen C0346153, MONDO:0016419, OMIM 114480. Disease mechanism: loss of function.
Fanconi anemia complementation group J. Also called: BRIP1-Related Fanconi Anemia. Identifiers: Orphanet 84, MedGen C1836860, MONDO:0012187, OMIM 609054.
Hereditary cancer-predisposing syndrome. Also called: Hereditary Cancer Syndrome; Hereditary neoplastic syndrome; Neoplastic Syndromes, Hereditary; Tumor predisposition. Identifiers: Orphanet 140162, MedGen C0027672, MeSH D009386, MONDO:0015356.

gnomAD v4.1: 3 of 1,613,962 alleles (0.00019%); highest among the groups gnomAD compares: Non-Finnish European, 0.00025%; no homozygotes.

Submissions (2):

Color Diagnostics, LLC DBA Color Health
Classification: Uncertain significance for Hereditary cancer-predisposing syndrome. Last evaluated: 2023-12-05. Review status: criteria provided, single submitter. Criteria: ACMG Guidelines, 2015. Collection method: clinical testing. Allele origin: germline.
Comment: This missense variant replaces cysteine with arginine at codon 87 of the BRIP1 protein. Computational prediction suggests that this variant may not impact protein structure and function (internally defined REVEL score threshold <= 0.5, PMID: 27666373). To our knowledge, functional studies have not been reported for this variant. This variant has not been reported in individuals affected with BRIP1-related disorders in the literature. This variant has not been identified in the general population by the Genome Aggregation Database (gnomAD). The available evidence is insufficient to determine the role of this variant in disease conclusively. Therefore, this variant is classified as a Variant of Uncertain Significance.

Labcorp Genetics (formerly Invitae), Labcorp
Classification: Uncertain significance for Familial cancer of breast; Fanconi anemia complementation group J. Last evaluated: 2022-08-16. Review status: criteria provided, single submitter. Criteria: Invitae Variant Classification Sherloc (09022015). Collection method: clinical testing. Allele origin: germline.
Comment: In summary, the available evidence is currently insufficient to determine the role of this variant in disease. Therefore, it has been classified as a Variant of Uncertain Significance. Algorithms developed to predict the effect of missense changes on protein structure and function (SIFT, PolyPhen-2, Align-GVGD) all suggest that this variant is likely to be tolerated. ClinVar contains an entry for this variant (Variation ID: 920218). This variant has not been reported in the literature in individuals affected with BRIP1-related conditions. This variant is not present in population databases (gnomAD no frequency). This sequence change replaces cysteine, which is neutral and slightly polar, with arginine, which is basic and polar, at codon 87 of the BRIP1 protein (p.Cys87Arg).